The following is an entry in ClinVar:

ClinVar aggregate classification (germline): Conflicting classifications of pathogenicity. Review status: criteria provided, conflicting classifications (1 of 4 stars). 2 submissions from 2 submitters: Uncertain significance (1); Likely benign (1). Last evaluated 2025-05-05.

Conditions:
Inborn genetic diseases. Identifiers: MedGen C0950123, MeSH D030342.

Allele frequency attached by ClinVar (database versions not stated): gnomAD exomes 0.00003 and 0.00006; ExAC 0.00007; ESP Exome Variant Server 0.00008; TOPMed 0.00013; gnomAD 0.00017 and 0.00019.
gnomAD v4.1: 69 of 1,613,122 alleles (0.0043%); highest among the groups gnomAD compares: African/African-American, 0.037%; no homozygotes.

Submissions (2):

Labcorp Genetics (formerly Invitae), Labcorp
Classification: Uncertain significance. Last evaluated: 2025-05-05. Review status: criteria provided, single submitter. Criteria: Invitae Variant Classification Sherloc (09022015). Collection method: clinical testing. Allele origin: germline.
Comment: This sequence change replaces threonine, which is neutral and polar, with methionine, which is neutral and non-polar, at codon 390 of the SRP54 protein (p.Thr390Met). This variant is present in population databases (rs144152355, gnomAD 0.05%), and has an allele count higher than expected for a pathogenic variant. This variant has not been reported in the literature in individuals affected with SRP54-related conditions. ClinVar contains an entry for this variant (Variation ID: 1407936). Invitae Evidence Modeling of protein sequence and biophysical properties (such as structural, functional, and spatial information, amino acid conservation, physicochemical variation, residue mobility, and thermodynamic stability) indicates that this missense variant is not expected to disrupt SRP54 protein function with a negative predictive value of 80%. In summary, the available evidence is currently insufficient to determine the role of this variant in disease. Therefore, it has been classified as a Variant of Uncertain Significance.

Ambry Genetics
Classification: Likely benign for Inborn genetic diseases. Last evaluated: 2022-04-25. Review status: criteria provided, single submitter. Criteria: Ambry Variant Classification Scheme 2023. Collection method: clinical testing. Allele origin: germline.

NM_003136.4(SRP54):c.1169C>T (p.Thr390Met)

Gene: SRP54 (signal recognition particle 54; plus strand). Cytogenetic location: 14q13.2.
Variant type: single nucleotide variant.
Coding change: c.1169C>T on transcript NM_003136.4 (MANE Select); coding-DNA position 1169, C replaced by T.
Protein change: p.Thr390Met; replaces threonine 390 with methionine.
Molecular consequence: missense variant.
Genome position (GRCh38, 1-based): chr14:35,022,922, C>T. VCF-style: chr14-35022922-C-T. GRCh37 (hg19) VCF-style: chr14-35492128-C-T.
Other names: c.1169C>T (NM_003136.3); c.1022C>T, p.Thr341Met (NM_001146282.2); short protein forms T390M, T341M.
Identifiers: ClinVar variation 1407936 (VCV001407936.11), dbSNP rs144152355, ClinGen allele CA7153800.